The following is an entry in ClinVar:

NM_001039672.3(YIF1B):c.334T>G (p.Tyr112Asp)

Gene: YIF1B (Yip1 interacting factor homolog B, membrane trafficking protein; minus strand). Cytogenetic location: 19q13.2.
Variant type: single nucleotide variant.
Coding change: c.334T>G on transcript NM_001039672.3 (MANE Select); coding-DNA position 334, T replaced by G.
Protein change: p.Tyr112Asp; replaces tyrosine 112 with aspartic acid.
Molecular consequence: missense variant.
Genome position (GRCh38, 1-based): chr19:38,309,292, A>C on the plus strand (T>G on the coding strand, the complement: YIF1B is on the minus strand). VCF-style: chr19-38309292-A-C. GRCh37 (hg19) VCF-style: chr19-38799932-A-C.
Other names: c.325T>G, p.Tyr109Asp (NM_001039673.3, NM_001145463.2); c.283T>G, p.Tyr95Asp (NM_001145461.2); c.241T>G, p.Tyr81Asp (NM_001145462.2); c.289T>G, p.Tyr97Asp (NM_001039671.3); short protein forms Y109D, Y112D, Y81D, Y95D, Y97D.
Identifiers: ClinVar variation 985859 (VCV000985859.4), dbSNP rs756036785, ClinGen allele CA9412062.
Genomic context (GRCh38, chr19:38,309,292, plus strand): 5'-GGTAGGGGAAGAACAGCAGGCCCAGCTTTCTGCCCACATACATGGTGTCCACAGCAAAGT[A>C]ATACTTGAGCTTGGTGATGGGGATGAAGCGGTCGATCTGGGGAGGCAGAGCTCAAGTCTG-3'
Protein context (NP_001034761.1, residues 102-122): RFIPITKLKY[Tyr112Asp]FAVDTMYVGR

ClinVar aggregate classification (germline): Uncertain significance (1 of 4 stars; one submission).

Conditions:
Inborn genetic diseases. Identifiers: MedGen C0950123, MeSH D030342.

Allele frequency attached by ClinVar (database versions not stated): gnomAD 0.00001; gnomAD exomes 0.00001 and 0.00002; ExAC 0.00002; TOPMed 0.00002.
gnomAD v4.1: 9 of 1,613,984 alleles (0.00056%); highest among the groups gnomAD compares: Admixed American, 0.013%; no homozygotes.

Submission:

Ambry Genetics
Classification: Uncertain significance for Inborn genetic diseases. Last evaluated: 2020-07-24. Review status: criteria provided, single submitter. Criteria: Ambry Variant Classification Scheme 2023. Collection method: clinical testing. Allele origin: germline.
Comment: The alteration results in an amino acid change:_x000D_ _x000D_ The c.334T>G (p.Y112D) alteration is located in coding exon 3 of the YIF1B gene. This alteration results from a T to G substitution at nucleotide position 334, causing the tyrosine (Y) at amino acid position 112 to be replaced by an aspartic acid (D). The alteration is rare in population databases:_x000D_ _x000D_ Based on data from the Genome Aggregation Database (gnomAD) database, the YIF1B c.334T>G alteration was observed in 0.0016% (4/251398) of total alleles studied, with a frequency of 0.01% (4/34566) in the Latino subpopulation. The altered amino acid is conserved throughout evolution:_x000D_ _x000D_ The p.Y112 amino acid is conserved in available vertebrate species. The alteration is predicted deleterious by in silico modeling:_x000D_ _x000D_ The p.Y112D alteration is predicted to be deleterious by in silico analysis. Based on insufficient or conflicting evidence, the clinical significance of this alteration remains unclear.